The following is an entry in ClinVar:

ClinVar aggregate classification (germline): Uncertain significance (1 of 4 stars; one submission).

Conditions:
Hereditary spastic paraplegia 30. Identifiers: Orphanet 101010, MedGen C5235139, MONDO:0012476.
Neuropathy, hereditary sensory, type 2C. Also called: Hereditary sensory and autonomic neuropathy type IIC; KIF1A-Related HSAN2 (HSAN2C). Identifiers: Orphanet 970, MedGen C3280168, MONDO:0013634, OMIM 614213.
Intellectual disability, autosomal dominant 9 (NESCAVS). Also called: NESCAV SYNDROME; KIF1A-Related Neurodevelopmental Disorder. Identifiers: Orphanet 662367, MedGen C5393830, MONDO:0013656, OMIM 614255.

Allele frequency attached by ClinVar (database versions not stated): gnomAD exomes 0.00001.

Submission:

Labcorp Genetics (formerly Invitae), Labcorp
Classification: Uncertain significance for Hereditary spastic paraplegia 30; Neuropathy, hereditary sensory, type 2C; Intellectual disability, autosomal dominant 9. Last evaluated: 2026-02-03. Review status: criteria provided, single submitter. Criteria: Invitae Variant Classification Sherloc (09022015). Collection method: clinical testing. Allele origin: germline.
Comment: This sequence change replaces methionine, which is neutral and non-polar, with isoleucine, which is neutral and non-polar, at codon 931 of the KIF1A protein (p.Met931Ile). This variant is present in population databases (no rsID available, gnomAD 0.004%). This variant has not been reported in the literature in individuals affected with KIF1A-related conditions. ClinVar contains an entry for this variant (Variation ID: 2073247). Invitae Evidence Modeling of protein sequence and biophysical properties (such as structural, functional, and spatial information, amino acid conservation, physicochemical variation, residue mobility, and thermodynamic stability) has been performed for this missense variant. However, the output from this modeling did not meet the statistical confidence thresholds required to predict the impact of this variant on KIF1A protein function. In summary, the available evidence is currently insufficient to determine the role of this variant in disease. Therefore, it has been classified as a Variant of Uncertain Significance.

NM_001244008.2(KIF1A):c.3096G>T (p.Met1032Ile)

Gene: KIF1A (kinesin family member 1A; minus strand). Cytogenetic location: 2q37.3.
Variant type: single nucleotide variant.
Coding change: c.3096G>T on transcript NM_001244008.2 (MANE Select); coding-DNA position 3096, G replaced by T.
Protein change: p.Met1032Ile; replaces methionine 1032 with isoleucine.
Molecular consequence: missense variant.
Genome position (GRCh38, 1-based): chr2:240,746,145, C>A on the plus strand (G>T on the coding strand, the complement: KIF1A is on the minus strand). VCF-style: chr2-240746145-C-A. GRCh37 (hg19) VCF-style: chr2-241685562-C-A.
Other names: c.2820G>T, p.Met940Ile (NM_001320705.2, NM_001330289.2, NM_001379638.1); c.2895G>T, p.Met965Ile (NM_001330290.2, NM_001379634.1, NM_001379635.1 and 1 more transcripts); c.3171G>T, p.Met1057Ile (NM_001379631.1); c.3045G>T, p.Met1015Ile (NM_001379632.1); c.3069G>T, p.Met1023Ile (NM_001379633.1, NM_001379642.1, NM_001379645.1); c.2793G>T, p.Met931Ile (NM_001379636.1, NM_001379639.1, NM_001379640.1 and 7 more transcripts); c.2868G>T, p.Met956Ile (NM_001379637.1, NM_001379648.1); short protein forms M1023I, M1032I, M931I, M1015I, M1057I, M940I, M956I, M965I.
Identifiers: ClinVar variation 2073247 (VCV002073247.4), dbSNP rs1343255714, ClinGen allele CA351318972.